The following is an entry in ClinVar:

NM_004260.4(RECQL4):c.960C>G (p.His320Gln)

Gene: RECQL4 (RecQ like helicase 4; minus strand). Cytogenetic location: 8q24.3.
Variant type: single nucleotide variant.
Coding change: c.960C>G on transcript NM_004260.4 (MANE Select); coding-DNA position 960, C replaced by G.
Protein change: p.His320Gln; replaces histidine 320 with glutamine.
Molecular consequence: missense variant. On other transcripts: 5 prime UTR variant (16), non-coding transcript variant (3), intron variant (3).
Genome position (GRCh38, 1-based): chr8:144,516,159, G>C on the plus strand (C>G on the coding strand, the complement: RECQL4 is on the minus strand). VCF-style: chr8-144516159-G-C. GRCh37 (hg19) VCF-style: chr8-145741543-G-C.
Other names: c.960C>G (NM_004260.3); c.960C>G, p.His320Gln (NM_001413018.1, NM_001413019.1, NM_001413033.1 and 2 more transcripts); c.-112C>G (NM_001413021.1, NM_001413022.1, NM_001413023.1 and 7 more transcripts); c.831C>G, p.His277Gln (NM_001413025.1); c.-174C>G (NM_001413027.1, NM_001413030.1, NM_001413031.1 and 2 more transcripts); c.609C>G, p.His203Gln (NM_001413029.1); c.-381C>G (NM_001413043.1); c.953+7C>G (NM_001413017.1, NM_001413020.1); and 1 more; short protein forms H320Q, H277Q, H203Q.
Identifiers: ClinVar variation 2841062 (VCV002841062.3), dbSNP rs772329750, ClinGen allele CA372688529.
Genomic context (GRCh38, chr8:144,516,159, plus strand): 5'-GTGCAGGGGGGCTGTGCCCTCAGCCTTCCCAGCCCTAGCTTGACTGGAGGGGCTGAGTCC[G>C]TGGTACCTGGGGTTCGATGGGCTGCTGCAGGGCTGAGGTGGCTGTGCCTGTACAGGTTCC-3'
Protein context (NP_004251.4, residues 310-330): PCSSPSNPRY[His320Gln]GLSPSSQARA

ClinVar aggregate classification (germline): Uncertain significance. Review status: criteria provided, multiple submitters, no conflicts (2 of 4 stars). 2 submissions from 2 submitters: Uncertain significance (2). Last evaluated 2025-09-10.

Conditions:
Baller-Gerold syndrome (BGS). Also called: CRANIOSYNOSTOSIS WITH RADIAL DEFECTS. Identifiers: Orphanet 1225, MedGen C0265308, MONDO:0009039, OMIM 218600.
Inborn genetic diseases. Identifiers: MedGen C0950123, MeSH D030342.

Submissions (2):

Labcorp Genetics (formerly Invitae), Labcorp
Classification: Uncertain significance for Baller-Gerold syndrome. Last evaluated: 2025-09-10. Review status: criteria provided, single submitter. Criteria: Invitae Variant Classification Sherloc (09022015). Collection method: clinical testing. Allele origin: germline.
Comment: This sequence change replaces histidine, which is basic and polar, with glutamine, which is neutral and polar, at codon 320 of the RECQL4 protein (p.His320Gln). This variant is not present in population databases (gnomAD no frequency). This variant has not been reported in the literature in individuals affected with RECQL4-related conditions. ClinVar contains an entry for this variant (Variation ID: 2841062). Experimental studies and prediction algorithms are not available or were not evaluated, and the functional significance of this variant is currently unknown. Algorithms developed to predict the effect of sequence changes on RNA splicing suggest that this variant may create or strengthen a splice site. In summary, the available evidence is currently insufficient to determine the role of this variant in disease. Therefore, it has been classified as a Variant of Uncertain Significance.

Ambry Genetics
Classification: Uncertain significance for Inborn genetic diseases. Last evaluated: 2024-12-04. Review status: criteria provided, single submitter. Criteria: Ambry Variant Classification Scheme 2023. Collection method: clinical testing. Allele origin: germline.
Comment: The p.H320Q variant (also known as c.960C>G), located in coding exon 5 of the RECQL4 gene, results from a C to G substitution at nucleotide position 960. The histidine at codon 320 is replaced by glutamine, an amino acid with highly similar properties. This amino acid position is conserved. In addition, this alteration is predicted to be tolerated by in silico analysis. Based on the available evidence, the clinical significance of this variant remains unclear.